The following is an entry in ClinVar:

ClinVar aggregate classification (germline): Uncertain significance (1 of 4 stars; one submission).

Submission:

Labcorp Genetics (formerly Invitae), Labcorp
Classification: Uncertain significance. Last evaluated: 2022-05-12. Review status: criteria provided, single submitter. Criteria: Invitae Variant Classification Sherloc (09022015). Collection method: clinical testing. Allele origin: germline.
Comment: This variant results in a copy number gain of the genomic region encompassing exon(s) 37-43 of the DMXL2 gene. This region includes the termination codon of the gene. This copy number gain extends beyond the assayed region for this gene and therefore may encompass additional genes. As the precise location of this event is unknown, it may be in tandem or it may be located elsewhere in the genome. This variant has not been reported in the literature in individuals affected with DMXL2-related conditions. In summary, the available evidence is currently insufficient to determine the role of this variant in disease. Therefore, it has been classified as a Variant of Uncertain Significance.

NC_000015.9:g.(?_51687012)_(51748586_?)dup

Genes: DMXL2 (Dmx like 2; minus strand), GLDN (gliomedin; plus strand). Cytogenetic location: 15q21.2.
Variant type: Duplication.
Identifiers: ClinVar variation 2423936 (VCV002423936.4).